The following is an entry in ClinVar:

NM_003709.4(KLF7):c.323C>G (p.Thr108Ser)

Gene: KLF7 (KLF transcription factor 7; minus strand). Cytogenetic location: 2q33.3.
Variant type: single nucleotide variant.
Coding change: c.323C>G on transcript NM_003709.4 (MANE Select); coding-DNA position 323, C replaced by G.
Protein change: p.Thr108Ser; replaces threonine 108 with serine.
Molecular consequence: missense variant.
Genome position (GRCh38, 1-based): chr2:207,124,184, G>C on the plus strand (C>G on the coding strand, the complement: KLF7 is on the minus strand). VCF-style: chr2-207124184-G-C. GRCh37 (hg19) VCF-style: chr2-207988908-G-C.
Other names: c.323C>G, p.Thr108Ser (NM_001270942.1, NM_001438026.1); c.224C>G, p.Thr75Ser (NM_001270943.2); c.239C>G, p.Thr80Ser (NM_001270944.2); short protein forms T108S, T75S, T80S.
Identifiers: ClinVar variation 4532763 (VCV004532763.2).

ClinVar aggregate classification (germline): Uncertain significance (1 of 4 stars; one submission).

Submission:

GeneDx
Classification: Uncertain significance. Last evaluated: 2026-03-03. Review status: criteria provided, single submitter. Criteria: GeneDx Variant Classification Process June 2021. Collection method: clinical testing. Allele origin: germline.
Comment: Not observed at significant frequency in large population cohorts (gnomAD); In silico analysis supports that this missense variant has a deleterious effect on protein structure/function; Has not been previously published as pathogenic or benign to our knowledge